The following is an entry in ClinVar:

NM_000834.5(GRIN2B):c.4205A>G (p.Lys1402Arg)

Gene: GRIN2B (glutamate ionotropic receptor NMDA type subunit 2B; minus strand). Cytogenetic location: 12p13.1.
Variant type: single nucleotide variant.
Coding change: c.4205A>G on transcript NM_000834.5 (MANE Select); coding-DNA position 4205, A replaced by G.
Protein change: p.Lys1402Arg; replaces lysine 1402 with arginine.
Molecular consequence: missense variant.
Genome position (GRCh38, 1-based): chr12:13,563,033, T>C on the plus strand (A>G on the coding strand, the complement: GRIN2B is on the minus strand). VCF-style: chr12-13563033-T-C. GRCh37 (hg19) VCF-style: chr12-13715967-T-C.
Other names: c.4205A>G (NM_000834.3); short protein forms K1402R.
Identifiers: ClinVar variation 1580621 (VCV001580621.11), dbSNP rs1349506481, ClinGen allele CA383986051.

ClinVar aggregate classification (germline): Conflicting classifications of pathogenicity. Review status: criteria provided, conflicting classifications (1 of 4 stars). 2 submissions from 2 submitters: Uncertain significance (1); Benign (1). Last evaluated 2026-10-07.

Conditions:
Intellectual developmental disorder, autosomal dominant 6, with or without seizures. Also called: GRIN2B-related developmental delay, intellectual disability and autism spectrum disorder; Intellectual disability, autosomal dominant 6. Identifiers: Orphanet 589547, MedGen C3151411, MONDO:0013509, OMIM 613970.
Developmental and epileptic encephalopathy, 27 (DEE27). Also called: GRIN2B-Related Neurodevelopmental Disorder; Epileptic encephalopathy, early infantile, 27. Identifiers: Orphanet 3451, MedGen C4015316, MONDO:0014505, OMIM 616139.

Allele frequency attached by ClinVar (database versions not stated): gnomAD 0.00001; TOPMed 0.00001.
gnomAD v4.1: 1 of 1,613,894 alleles (0.000062%); highest among the groups gnomAD compares: African/African-American, 0.0013%; no homozygotes.

Submissions (2):

GeneDx
Classification: Uncertain significance. Last evaluated: 2026-10-07. Review status: criteria provided, single submitter. Criteria: GeneDx Variant Classification Process June 2021. Collection method: clinical testing. Allele origin: germline.
Comment: Not observed at significant frequency in large population cohorts (gnomAD); In silico analysis suggests that this missense variant does not alter protein structure/function; Has not been previously published as pathogenic or benign to our knowledge

Labcorp Genetics (formerly Invitae), Labcorp
Classification: Benign for Developmental and epileptic encephalopathy, 27; Intellectual developmental disorder, autosomal dominant 6, with or without seizures. Last evaluated: 2022-06-27. Review status: criteria provided, single submitter. Criteria: Invitae Variant Classification Sherloc (09022015). Collection method: clinical testing. Allele origin: germline.